The following is an entry in ClinVar:

NM_000257.4(MYH7):c.3362A>T (p.Glu1121Val)

Gene: MYH7 (myosin heavy chain 7; minus strand). Cytogenetic location: 14q11.2.
Variant type: single nucleotide variant.
Coding change: c.3362A>T on transcript NM_000257.4 (MANE Select); coding-DNA position 3362, A replaced by T.
Protein change: p.Glu1121Val; replaces glutamic acid 1121 with valine.
Molecular consequence: missense variant.
Genome position (GRCh38, 1-based): chr14:23,420,209, T>A on the plus strand (A>T on the coding strand, the complement: MYH7 is on the minus strand). VCF-style: chr14-23420209-T-A. GRCh37 (hg19) VCF-style: chr14-23889418-T-A.
Other names: c.3362A>T, p.Glu1121Val (NM_001407004.1); short protein forms E1121V.
Identifiers: ClinVar variation 3710791 (VCV003710791.2).

ClinVar aggregate classification (germline): Uncertain significance (1 of 4 stars; one submission).

Conditions:
Hypertrophic cardiomyopathy. Also called: HYPERTROPHIC MYOCARDIOPATHY. Identifiers: Orphanet 217569, MedGen C0007194, MeSH D002312, MONDO:0005045, HP:0001639.

Submission:

Labcorp Genetics (formerly Invitae), Labcorp
Classification: Uncertain significance for Hypertrophic cardiomyopathy. Last evaluated: 2024-03-18. Review status: criteria provided, single submitter. Criteria: Invitae Variant Classification Sherloc (09022015). Collection method: clinical testing. Allele origin: germline.
Comment: This sequence change replaces glutamic acid, which is acidic and polar, with valine, which is neutral and non-polar, at codon 1121 of the MYH7 protein (p.Glu1121Val). The frequency data for this variant in the population databases is considered unreliable, as metrics indicate poor data quality at this position in the gnomAD database. This variant has not been reported in the literature in individuals affected with MYH7-related conditions. Advanced modeling of protein sequence and biophysical properties (such as structural, functional, and spatial information, amino acid conservation, physicochemical variation, residue mobility, and thermodynamic stability) performed at Invitae indicates that this missense variant is expected to disrupt MYH7 protein function with a positive predictive value of 95%. In summary, the available evidence is currently insufficient to determine the role of this variant in disease. Therefore, it has been classified as a Variant of Uncertain Significance.